The following is an entry in ClinVar:

NM_000352.6(ABCC8):c.3952del (p.Leu1317_Leu1318insTer)

Gene: ABCC8 (ATP binding cassette subfamily C member 8; minus strand). Cytogenetic location: 11p15.1.
Variant type: Deletion.
Coding change: c.3952del on transcript NM_000352.6 (MANE Select); coding-DNA position 3952, one base deleted (C; older notation c.3952delC).
Protein change: p.Leu1317_Leu1318insTer.
Molecular consequence: nonsense. On other transcripts: non-coding transcript variant (1).
Genome position (GRCh38, 1-based): chr11:17,397,229, G deleted on the plus strand (C on the coding strand, the reverse complement: ABCC8 is on the minus strand); the first of 2 consecutive G bases (chr11:17,397,229-17,397,230); deleting either gives the same sequence. VCF-style (leftmost placement, unchanged base first): chr11-17397228-AG-A. GRCh37 (hg19) VCF-style: chr11-17418775-AG-A.
Other names: c.3955del, p.Leu1318_Leu1319insTer (NM_001287174.3); c.4018del, p.Leu1339_Leu1340insTer (NM_001351295.2); c.3952del, p.Leu1317_Leu1318insTer (NM_001351296.2); c.3949del, p.Leu1316_Leu1317insTer (NM_001351297.2).
Identifiers: ClinVar variation 1374172 (VCV001374172.6), dbSNP rs2133408572, ClinGen allele CA2573146252.
Genomic context (GRCh38, chr11:17,397,228, plus strand): 5'-CCACCCCTCTCCCTGAGCCTCTCACCCAGGAGCCCCTCGTAGCTCTCTGCCTCGGTTTTC[AG>A]GAGCCCATGGATGCGCTTCACAGCCCCCAGCTGGAGCTCCATGTCTGCCAGGTTCCTCAC-3'

ClinVar aggregate classification (germline): Pathogenic (1 of 4 stars; one submission).

Submission:

Labcorp Genetics (formerly Invitae), Labcorp
Classification: Pathogenic. Last evaluated: 2022-04-08. Review status: criteria provided, single submitter. Criteria: Invitae Variant Classification Sherloc (09022015). Collection method: clinical testing. Allele origin: germline.
Comment: This variant is not present in population databases (gnomAD no frequency). This sequence change creates a premature translational stop signal (p.Leu1318*) in the ABCC8 gene. It is expected to result in an absent or disrupted protein product. Loss-of-function variants in ABCC8 are known to be pathogenic (PMID: 20685672, 23345197). This variant has not been reported in the literature in individuals affected with ABCC8-related conditions. For these reasons, this variant has been classified as Pathogenic.

Literature cited by the submitters: PubMed 20685672; PubMed 23345197.